The following is an entry in ClinVar:

ClinVar aggregate classification (germline): Likely pathogenic (0 of 4 stars; one submission).

Conditions:
Dilated cardiomyopathy 1DD (CMD1DD). Identifiers: Orphanet 154, MedGen C2750995, MONDO:0013168, OMIM 613172.

Submission:

Diagnostics Centre, Carl Von Ossietzky University Oldenburg
Classification: Likely pathogenic for Dilated cardiomyopathy 1DD. Last evaluated: 2024-11-12. Review status: no assertion criteria provided. Collection method: clinical testing. Allele origin: germline. Affected: yes. Observed: 1 variant allele.
Comment: This change results in the formation of a premature stop codon at protein position 451. The variant affects an exon [4/14] present in biologically relevant transcript and is predicted to cause protein truncation/absent due to nonsense mediated decay in a gene where loss-of-function is a known mechanism of disease. The variant has not yet been described in ClinVar. The variant is classified as very rare since it is absent in gnomAD v4.1.0. In summary, the variant is classified as Likely pathogenic.

NM_001134363.3(RBM20):c.1353T>A (p.Cys451Ter)

Gene: RBM20 (RNA binding motif protein 20; plus strand). Cytogenetic location: 10q25.2.
Variant type: single nucleotide variant.
Coding change: c.1353T>A on transcript NM_001134363.3 (MANE Select); coding-DNA position 1353, T replaced by A.
Protein change: p.Cys451Ter; replaces cysteine 451 with a stop codon.
Molecular consequence: nonsense.
Genome position (GRCh38, 1-based): chr10:110,784,356, T>A. VCF-style: chr10-110784356-T-A. GRCh37 (hg19) VCF-style: chr10-112544114-T-A.
Other names: short protein forms C451*.
Identifiers: ClinVar variation 3899238 (VCV003899238.1).